The following is an entry in ClinVar:

ClinVar aggregate classification (germline): Uncertain significance. Review status: criteria provided, multiple submitters, no conflicts (2 of 4 stars). 2 submissions from 2 submitters: Uncertain significance (2). Last evaluated 2025-07-02.

Conditions:
Early-infantile DEE. Also called: Ohtahara syndrome; Early infantile epileptic encephalopathy; Early infantile epileptic encephalopathy with suppression bursts. Identifiers: Orphanet 1934, MedGen C0393706, MONDO:0800491.

Allele frequency attached by ClinVar (database versions not stated): gnomAD exomes below 0.00001.
gnomAD v4.1: 2 of 1,610,378 alleles (0.00012%); highest among the groups gnomAD compares: Non-Finnish European, 0.000085%; no homozygotes.

Submissions (2):

Labcorp Genetics (formerly Invitae), Labcorp
Classification: Uncertain significance for Early-infantile DEE. Last evaluated: 2025-07-02. Review status: criteria provided, single submitter. Criteria: Invitae Variant Classification Sherloc (09022015). Collection method: clinical testing. Allele origin: germline.
Comment: This sequence change replaces valine, which is neutral and non-polar, with isoleucine, which is neutral and non-polar, at codon 1258 of the SCN1A protein (p.Val1258Ile). This variant is not present in population databases (gnomAD no frequency). This variant has not been reported in the literature in individuals affected with SCN1A-related conditions. ClinVar contains an entry for this variant (Variation ID: 206808). Invitae Evidence Modeling of protein sequence and biophysical properties (such as structural, functional, and spatial information, amino acid conservation, physicochemical variation, residue mobility, and thermodynamic stability) has been performed for this missense variant. However, the output from this modeling did not meet the statistical confidence thresholds required to predict the impact of this variant on SCN1A protein function. In summary, the available evidence is currently insufficient to determine the role of this variant in disease. Therefore, it has been classified as a Variant of Uncertain Significance.

GeneDx
Classification: Uncertain significance. Last evaluated: 2019-05-21. Review status: criteria provided, single submitter. Criteria: GeneDx Variant Classification Process June 2021. Collection method: clinical testing. Allele origin: germline. Affected: yes.
Comment: Has not been previously published as pathogenic or benign to our knowledge; The majority of missense variants in this gene are considered pathogenic (Stenson et al., 2014); Located within the transmembrane segment S2 of the third homologous repeat of the SCN1A protein (Escayg et al., 2010); Not observed in large population cohorts (Lek et al., 2016)

NM_001165963.4(SCN1A):c.3772G>A (p.Val1258Ile)

Genes: SCN1A (sodium voltage-gated channel alpha subunit 1; minus strand), LOC102724058 (uncharacterized LOC102724058; plus strand). Cytogenetic location: 2q24.3.
Variant type: single nucleotide variant.
Coding change: c.3772G>A on transcript NM_001165963.4 (MANE Select); coding-DNA position 3772, G replaced by A.
Protein change: p.Val1258Ile; replaces valine 1258 with isoleucine.
Molecular consequence: missense variant. On other transcripts: non-coding transcript variant (1).
Genome position (GRCh38, 1-based): chr2:166,012,216, C>T on the plus strand (G>A on the coding strand, the complement: SCN1A is on the minus strand). VCF-style: chr2-166012216-C-T. GRCh37 (hg19) VCF-style: chr2-166868726-C-T.
Other names: p.V1258I:GTT>ATT; c.3688G>A, p.Val1230Ile (NM_001165964.3, NM_001353957.2, NM_001353958.2); c.3772G>A, p.Val1258Ile (NM_001202435.3, NM_001353948.2); c.3739G>A, p.Val1247Ile (NM_001353949.2, NM_001353950.2, NM_001353951.2 and 2 more transcripts); c.3736G>A, p.Val1246Ile (NM_001353954.2, NM_001353955.2); c.3685G>A, p.Val1229Ile (NM_001353960.2); c.1330G>A, p.Val444Ile (NM_001353961.2); short protein forms V1247I, V1258I, V1230I, V1246I, V1229I, V444I.
Identifiers: ClinVar variation 206808 (VCV000206808.4), dbSNP rs796052998, ClinGen allele CA317395.
Genomic context (GRCh38, chr2:166,012,216, plus strand): 5'-TTTGATAGCCATATGCCACCCATTTTAGAAGCATTTCCAGAATGAAAATGTAAGTGAAAA[C>T]CTTGTCAGCATATTCCAACATCGTCTTAATCGTCTTTCGCTGATCAATATATATATCTTC-3'
Protein context (NP_001159435.1, residues 1248-1268): IKTMLEYADK[Val1258Ile]FTYIFILEML